The following is an entry in ClinVar:

NM_203446.3(SYNJ1):c.3275CGC[3] (p.Pro1093_Leu1094insPro)

Gene: SYNJ1 (synaptojanin 1; minus strand). Cytogenetic location: 21q22.11.
Variant type: Microsatellite.
Coding change: c.3275CGC[3] on transcript NM_203446.3 (MANE Select); three copies in a row of the 3-base unit CGC starting at c.3275; the reference has two copies in a row; one copy, 3 bases duplicated.
Protein change: p.Pro1093_Leu1094insPro.
Molecular consequence: inframe insertion. On other transcripts: inframe indel (2).
Genome position (GRCh38, 1-based): chr21:32,645,757-32,645,759, GCG duplicated on the plus strand (CGC on the coding strand, the reverse complement: SYNJ1 is on the minus strand); duplicating any 3 consecutive bases within chr21:32,645,757-32,645,762 gives the same sequence; the position shown is the placement nearest the transcript's 3' end. VCF-style (leftmost placement, unchanged base first): chr21-32645756-A-AGCG. GRCh37 (hg19) VCF-style: chr21-34018066-A-AGCG.
Other names: c.3275_3277CGC[3], p.Pro1093_Leu1094insPro (NM_001160302.2); c.3260CGC[3], p.Pro1088_Leu1089insPro (NM_001160306.2); c.3392_3394CGC[3], p.Pro1132_Leu1133insPro (NM_003895.4).
Identifiers: ClinVar variation 1058736 (VCV001058736.9), dbSNP rs2145776402, ClinGen allele CA2580616372.

ClinVar aggregate classification (germline): Uncertain significance (1 of 4 stars; one submission).

Conditions:
Developmental and epileptic encephalopathy, 53. Also called: Epileptic encephalopathy, early infantile, 53. Identifiers: MedGen C4479313, MONDO:0033362, OMIM 617389.
Early-onset Parkinson disease 20. Also called: PARKINSON DISEASE 20, AUTOSOMAL RECESSIVE EARLY-ONSET. Identifiers: Orphanet 391411, MedGen C3809824, MONDO:0014233, OMIM 615530.

Submission:

Labcorp Genetics (formerly Invitae), Labcorp
Classification: Uncertain significance for Developmental and epileptic encephalopathy, 53; Early-onset Parkinson disease 20. Last evaluated: 2022-01-06. Review status: criteria provided, single submitter. Criteria: Invitae Variant Classification Sherloc (09022015). Collection method: clinical testing. Allele origin: germline.
Comment: In summary, the available evidence is currently insufficient to determine the role of this variant in disease. Therefore, it has been classified as a Variant of Uncertain Significance. Experimental studies and prediction algorithms are not available or were not evaluated, and the functional significance of this variant is currently unknown. This variant has not been reported in the literature in individuals affected with SYNJ1-related conditions. This variant is not present in population databases (gnomAD no frequency). This variant, c.3395_3397dup, results in the insertion of 1 amino acid(s) of the SYNJ1 protein (p.Pro1132dup), but otherwise preserves the integrity of the reading frame.